The following is an entry in ClinVar:

NM_001162501.2(TNRC6B):c.4054C>T (p.Pro1352Ser)

Gene: TNRC6B (trinucleotide repeat containing adaptor 6B; plus strand). Cytogenetic location: 22q13.1.
Variant type: single nucleotide variant.
Coding change: c.4054C>T on transcript NM_001162501.2 (MANE Select); coding-DNA position 4054, C replaced by T.
Protein change: p.Pro1352Ser; replaces proline 1352 with serine.
Molecular consequence: missense variant.
Genome position (GRCh38, 1-based): chr22:40,301,267, C>T. VCF-style: chr22-40301267-C-T. GRCh37 (hg19) VCF-style: chr22-40697271-C-T.
Other names: c.1642C>T, p.Pro548Ser (NM_001024843.2); c.3724C>T, p.Pro1242Ser (NM_015088.3); short protein forms P1242S, P1352S, P548S.
Identifiers: ClinVar variation 3048926 (VCV003048926.18), dbSNP rs369946840, ClinGen allele CA10247206.

ClinVar aggregate classification (germline): Likely benign. Review status: criteria provided, single submitter (1 of 4 stars). 2 submissions from 2 submitters: Likely benign (1). 1 of the submissions does not count toward it. Last evaluated 2024-07-01.

Conditions:
TNRC6B-related disorder. Also called: TNRC6B-related condition.

Allele frequency attached by ClinVar (database versions not stated): TOPMed 0.00005; ESP Exome Variant Server 0.00008; gnomAD 0.00017; gnomAD exomes 0.00028; 1000 Genomes Project 30x 0.00031; 1000 Genomes Project 0.00040; ExAC 0.00139.
gnomAD v4.1: 417 of 1,588,644 alleles (0.026%); highest among the groups gnomAD compares: South Asian, 0.42%; 6 homozygotes.

Submissions (2):

CeGaT Center for Human Genetics Tuebingen
Classification: Likely benign. Last evaluated: 2024-07-01. Review status: criteria provided, single submitter. Criteria: CeGaT Center For Human Genetics Tuebingen Variant Classification Criteria Version 2. Collection method: clinical testing. Allele origin: germline. Affected: yes. Observed: 1 variant allele.
Comment: TNRC6B: BS2

PreventionGenetics, part of Exact Sciences
Classification: Likely benign for TNRC6B-related condition. Last evaluated: 2019-02-20. Review status: no assertion criteria provided. Collection method: clinical testing. Allele origin: germline. Not counted in ClinVar's aggregate classification.
Comment: This variant is classified as likely benign based on ACMG/AMP sequence variant interpretation guidelines (Richards et al. 2015 PMID: 25741868, with internal and published modifications).